The following is an entry in ClinVar:

ClinVar aggregate classification (germline): Likely benign (1 of 4 stars; one submission).

Conditions:
Hyaline fibromatosis syndrome (HFS). Also called: Hyalinosis, Inherited Systemic; HYALINOSIS, SYSTEMIC. Identifiers: Orphanet 2028, Orphanet 498474, MedGen C5574677, MONDO:0009229, OMIM 228600.

Allele frequency attached by ClinVar (database versions not stated): 1000 Genomes Project 0.00140; gnomAD 0.00323 and 0.00329; 1000 Genomes Project 30x 0.00125; TOPMed 0.00331.

Submission:

Illumina Laboratory Services, Illumina
Classification: Likely benign for Hyaline fibromatosis syndrome. Last evaluated: 2018-01-13. Review status: criteria provided, single submitter. Criteria: ICSL Variant Classification Criteria 13 December 2019. Collection method: clinical testing. Allele origin: germline.
Comment: This variant was observed in the ICSL laboratory as part of a predisposition screen in an ostensibly healthy population. It had not been previously curated by ICSL or reported in the Human Gene Mutation Database (HGMD: prior to June 1st, 2018), and was therefore a candidate for classification through an automated scoring system. Utilizing variant allele frequency, disease prevalence and penetrance estimates, and inheritance mode, an automated score was calculated to assess if this variant is too frequent to cause the disease. Based on the score and internal cut-off values, a variant classified as likely benign is not then subjected to further curation. The score for this variant resulted in a classification of likely benign for this disease.

NM_058172.6(ANTXR2):c.*3902C>T

Gene: ANTXR2 (ANTXR cell adhesion molecule 2; minus strand). Cytogenetic location: 4q21.21.
Variant type: single nucleotide variant.
Coding change: c.*3902C>T on transcript NM_058172.6 (MANE Select); 3902 bases downstream of the stop codon, C replaced by T.
Molecular consequence: 3 prime UTR variant.
Genome position (GRCh38, 1-based): chr4:79,903,527, G>A on the plus strand (C>T on the coding strand, the complement: ANTXR2 is on the minus strand). VCF-style: chr4-79903527-G-A. GRCh37 (hg19) VCF-style: chr4-80824681-G-A.
Other names: c.*3902C>T (NM_001286780.2, NM_001286781.2).
Identifiers: ClinVar variation 905392 (VCV000905392.4), dbSNP rs191348548, ClinGen allele CA15327982.